The following is an entry in ClinVar:

NM_003823.4(TNFRSF6B):c.878G>A (p.Arg293His)

Genes: RTEL1 (regulator of telomere elongation helicase 1; plus strand), RTEL1-TNFRSF6B (RTEL1-TNFRSF6B readthrough (NMD candidate); plus strand), TNFRSF6B (TNF receptor superfamily member 6b; plus strand). Cytogenetic location: 20q13.33.
Variant type: single nucleotide variant.
Coding change: c.878G>A on transcript NM_003823.4 (MANE Select); coding-DNA position 878, G replaced by A.
Protein change: p.Arg293His; replaces arginine 293 with histidine.
Molecular consequence: missense variant. On other transcripts: non-coding transcript variant (1).
Genome position (GRCh38, 1-based): chr20:63,698,538, G>A. VCF-style: chr20-63698538-G-A. GRCh37 (hg19) VCF-style: chr20-62329891-G-A.
Other names: c.878G>A (NM_003823.3); short protein forms R293H.
Identifiers: ClinVar variation 550851 (VCV000550851.11), dbSNP rs575430880, ClinGen allele CA9966658.
Genomic context (GRCh38, chr20:63,698,538, plus strand): 5'-TGGTGCGGCTGCTGCAGGCGCTGCGCGTGGCCAGGATGCCCGGGCTGGAGCGGAGCGTCC[G>A]TGAGCGCTTCCTCCCTGTGCACTGATCCTGGCCCCCTCTTATTTATTCTACATCCTTGGC-3'
Protein context (NP_003814.1, residues 283-300): ARMPGLERSV[Arg293His]ERFLPVH

ClinVar aggregate classification (germline): Uncertain significance. Review status: criteria provided, multiple submitters, no conflicts (2 of 4 stars). 3 submissions from 3 submitters: Uncertain significance (2). 1 of the submissions does not count toward it. Last evaluated 2025-03-26.

Conditions:
Dyskeratosis congenita, autosomal recessive 5 (DKCB5). Identifiers: MedGen C3554656, MONDO:0014076, OMIM 615190.

Allele frequency attached by ClinVar (database versions not stated): gnomAD 0.00003; TOPMed 0.00004; 1000 Genomes Project 30x 0.00016; 1000 Genomes Project 0.00020.

Submissions (3):

Labcorp Genetics (formerly Invitae), Labcorp
Classification: Uncertain significance. Last evaluated: 2025-03-26. Review status: criteria provided, single submitter. Criteria: Invitae Variant Classification Sherloc (09022015). Collection method: clinical testing. Allele origin: germline.
Comment: This sequence change replaces arginine, which is basic and polar, with histidine, which is basic and polar, at codon 293 of the TNFRSF6B protein (p.Arg293His). The frequency data for this variant in the population databases is considered unreliable, as metrics indicate poor data quality at this position in the gnomAD database. This variant has not been reported in the literature in individuals affected with TNFRSF6B-related conditions. ClinVar contains an entry for this variant (Variation ID: 550851). An algorithm developed to predict the effect of missense changes on protein structure and function outputs the following: PolyPhen-2: "Benign". The histidine amino acid residue is found in multiple mammalian species, which suggests that this missense change does not adversely affect protein function. In summary, the available evidence is currently insufficient to determine the role of this variant in disease. Therefore, it has been classified as a Variant of Uncertain Significance.

Ambry Genetics
Classification: Uncertain significance. Last evaluated: 2024-05-23. Review status: criteria provided, single submitter. Criteria: Ambry Variant Classification Scheme 2023. Collection method: clinical testing. Allele origin: germline.

Counsyl
Classification: Uncertain significance for Dyskeratosis congenita, autosomal recessive 5. Last evaluated: 2017-02-24. Review status: no assertion criteria provided. Collection method: clinical testing. Allele origin: unknown. Not counted in ClinVar's aggregate classification.